The following is an entry in ClinVar:

ClinVar aggregate classification (germline): Pathogenic (1 of 4 stars; one submission).

Submission:

Labcorp Genetics (formerly Invitae), Labcorp
Classification: Pathogenic. Last evaluated: 2021-02-17. Review status: criteria provided, single submitter. Criteria: Invitae Variant Classification Sherloc (09022015). Collection method: clinical testing. Allele origin: germline.
Comment: This variant results in the deletion of part of exon 21 (c.2071-2_2072del) of the PHEX gene. It is expected to disrupt RNA splicing. Variants that disrupt the donor or acceptor splice site typically lead to a loss of protein function (PMID: 16199547), and loss-of-function variants in PHEX are known to be pathogenic (PMID: 9097956, 9106524, 19219621). This variant is not present in population databases (ExAC no frequency). This variant has been observed in individual(s) with hypophosphatemia (Invitae). Algorithms developed to predict the effect of sequence changes on RNA splicing suggest that this variant may disrupt the consensus splice site, but this prediction has not been confirmed by published transcriptional studies. For these reasons, this variant has been classified as Pathogenic.

Literature cited by the submitters: PubMed 16199547; PubMed 9097956; PubMed 9106524; PubMed 19219621.

NM_000444.6(PHEX):c.2071-2_2072del

Genes: PHEX (phosphate regulating endopeptidase X-linked; plus strand), PTCHD1-AS (PTCHD1 and PHEX antisense RNA; minus strand). Cytogenetic location: Xp22.11.
Variant type: Deletion.
Coding change: c.2071-2_2072del on transcript NM_000444.6 (MANE Select); the canonical splice acceptor site of the intron before coding-DNA position 2071 through coding-DNA position 2072, 4 bases deleted (AGGT; older notation c.2071-2_2072delAGGT).
Molecular consequence: splice acceptor variant. On other transcripts: intron variant (1).
Genome position (GRCh38, 1-based): chrX:22,245,331-22,245,334, AGGT deleted; deleting any 4 consecutive bases within chrX:22,245,330-22,245,334 gives the same sequence; the c. name uses the placement nearest the transcript's 3' end. VCF-style (leftmost placement, unchanged base first): chrX-22245329-CTAGG-C. GRCh37 (hg19) VCF-style: chrX-22263446-CTAGG-C.
Other names: c.2071-2520_2071-2517del (NM_001282754.2).
Identifiers: ClinVar variation 1375528 (VCV001375528.6), dbSNP rs2147213913, ClinGen allele CA2573158542.
Genomic context (GRCh38, chrX:22,245,329, plus strand): 5'-TAAAACAGCAGAAAATACATAATTGGAATGAAAGCTCATTTGTTGGGATGCTTTTCTCTT[CTAGG>C]TGAGGTGCAATTCCTACAGACCAGAAGCTGCCCGAGAACAAGTCCAAATTGGTGCTCACA-3'